The following is an entry in ClinVar:

ClinVar aggregate classification (germline): Pathogenic (1 of 4 stars; one submission).

Conditions:
Polyglandular autoimmune syndrome, type 1 (APS1). Also called: AUTOIMMUNE POLYENDOCRINE SYNDROME, TYPE I, WITH OR WITHOUT REVERSIBLE METAPHYSEAL DYSPLASIA; APS I; PGA I; Autoimmune polyendocrine syndrome type 1; Autoimmune polyendocrinopathy syndrome, type I; Whitaker syndrome. Identifiers: Orphanet 3453, MedGen C0085859, MONDO:0009411, OMIM 240300.

Submission:

Labcorp Genetics (formerly Invitae), Labcorp
Classification: Pathogenic for Polyglandular autoimmune syndrome, type 1. Last evaluated: 2021-07-26. Review status: criteria provided, single submitter. Criteria: Invitae Variant Classification Sherloc (09022015). Collection method: clinical testing. Allele origin: germline.
Comment: For these reasons, this variant has been classified as Pathogenic. This variant has not been reported in the literature in individuals affected with AIRE-related conditions. The frequency data for this variant in the population databases is considered unreliable, as metrics indicate insufficient coverage at this position in the ExAC database. This sequence change creates a premature translational stop signal (p.Arg12Serfs*38) in the AIRE gene. It is expected to result in an absent or disrupted protein product. Loss-of-function variants in AIRE are known to be pathogenic (PMID: 11524731, 26141571).

Literature cited by the submitters: PubMed 11524731; PubMed 26141571.

NM_000383.4(AIRE):c.36del (p.Arg12fs)

Gene: AIRE (autoimmune regulator; plus strand). Cytogenetic location: 21q22.3.
Variant type: Deletion.
Coding change: c.36del on transcript NM_000383.4 (MANE Select); coding-DNA position 36, one base deleted (G; older notation c.36delG).
Protein change: p.Arg12fs; shifts the reading frame from arginine 12.
Molecular consequence: frameshift variant.
Genome position (GRCh38, 1-based): chr21:44,286,042, G deleted; the last of 2 consecutive G bases (chr21:44,286,041-44,286,042); deleting either gives the same sequence. VCF-style (leftmost placement, unchanged base first): chr21-44286040-AG-A. GRCh37 (hg19) VCF-style: chr21-45705923-AG-A.
Other names: short protein forms R12fs.
Identifiers: ClinVar variation 1415983 (VCV001415983.6), dbSNP rs2146375064, ClinGen allele CA2573157673.